The following is an entry in ClinVar:

NM_030912.3(TRIM8):c.1253C>T (p.Pro418Leu)

Gene: TRIM8 (tripartite motif containing 8; plus strand). Cytogenetic location: 10q24.32.
Variant type: single nucleotide variant.
Coding change: c.1253C>T on transcript NM_030912.3 (MANE Select); coding-DNA position 1253, C replaced by T.
Protein change: p.Pro418Leu; replaces proline 418 with leucine.
Molecular consequence: missense variant. On other transcripts: non-coding transcript variant (1).
Genome position (GRCh38, 1-based): chr10:102,656,951, C>T. VCF-style: chr10-102656951-C-T. GRCh37 (hg19) VCF-style: chr10-104416708-C-T.
Other names: c.1157C>T, p.Pro386Leu (NM_001345950.1); short protein forms P418L, P386L.
Identifiers: ClinVar variation 4705020 (VCV004705020.1).

ClinVar aggregate classification (germline): Uncertain significance (1 of 4 stars; one submission).

Submission:

Labcorp Genetics (formerly Invitae), Labcorp
Classification: Uncertain significance. Last evaluated: 2025-07-30. Review status: criteria provided, single submitter. Criteria: Invitae Variant Classification Sherloc (09022015). Collection method: clinical testing. Allele origin: germline.
Comment: This sequence change replaces proline, which is neutral and non-polar, with leucine, which is neutral and non-polar, at codon 418 of the TRIM8 protein (p.Pro418Leu). This variant is not present in population databases (gnomAD no frequency). This variant has not been reported in the literature in individuals affected with TRIM8-related conditions. An algorithm developed to predict the effect of missense changes on protein structure and function (PolyPhen-2) suggests that this variant is likely to be tolerated. In summary, the available evidence is currently insufficient to determine the role of this variant in disease. Therefore, it has been classified as a Variant of Uncertain Significance.